The following is an entry in ClinVar:

ClinVar aggregate classification (germline): Uncertain significance (1 of 4 stars; one submission).

Allele frequency attached by ClinVar (database versions not stated): gnomAD exomes below 0.00001; ExAC 0.00001.
gnomAD v4.1: 7 of 1,614,218 alleles (0.00043%); highest among the groups gnomAD compares: Admixed American, 0.0033%; no homozygotes.

Submission:

Labcorp Genetics (formerly Invitae), Labcorp
Classification: Uncertain significance. Last evaluated: 2024-10-24. Review status: criteria provided, single submitter. Criteria: Invitae Variant Classification Sherloc (09022015). Collection method: clinical testing. Allele origin: germline.
Comment: This sequence change replaces arginine, which is basic and polar, with glutamine, which is neutral and polar, at codon 1015 of the TRRAP protein (p.Arg1015Gln). This variant is present in population databases (rs782188112, gnomAD 0.006%). This variant has not been reported in the literature in individuals affected with TRRAP-related conditions. This missense change has been observed in at least one individual who was not affected with TRRAP-related conditions (internal data). Invitae Evidence Modeling of protein sequence and biophysical properties (such as structural, functional, and spatial information, amino acid conservation, physicochemical variation, residue mobility, and thermodynamic stability) indicates that this missense variant is expected to disrupt TRRAP protein function with a positive predictive value of 80%. In summary, the available evidence is currently insufficient to determine the role of this variant in disease. Therefore, it has been classified as a Variant of Uncertain Significance.

NM_001375524.1(TRRAP):c.3044G>A (p.Arg1015Gln)

Gene: TRRAP (transformation/transcription domain associated protein; plus strand). Cytogenetic location: 7q22.1.
Variant type: single nucleotide variant.
Coding change: c.3044G>A on transcript NM_001375524.1 (MANE Select); coding-DNA position 3044, G replaced by A.
Protein change: p.Arg1015Gln; replaces arginine 1015 with glutamine.
Molecular consequence: missense variant.
Genome position (GRCh38, 1-based): chr7:98,927,235, G>A. VCF-style: chr7-98927235-G-A. GRCh37 (hg19) VCF-style: chr7-98524858-G-A.
Other names: c.3044G>A, p.Arg1015Gln (NM_001244580.2, NM_003496.4); short protein forms R1015Q.
Identifiers: ClinVar variation 2972236 (VCV002972236.3), dbSNP rs782188112, ClinGen allele CA4359919.